The following is an entry in ClinVar:

ClinVar aggregate classification (germline): Uncertain significance. Review status: criteria provided, multiple submitters, no conflicts (2 of 4 stars). 2 submissions from 2 submitters: Uncertain significance (2). Last evaluated 2026-01-06.

Conditions:
COL4A3-related disorder. Also called: COL4A3-related condition; COL4A3-Related Disorders.
Alport syndrome 3b, autosomal recessive. Identifiers: MedGen C5882699, MONDO:0957811, OMIM 620536.

Allele frequency attached by ClinVar (database versions not stated): ExAC 0.00005; gnomAD exomes 0.00001.
gnomAD v4.1: 20 of 1,609,950 alleles (0.0012%); highest among the groups gnomAD compares: East Asian, 0.033%; no homozygotes.

Submissions (2):

3billion
Classification: Uncertain significance for Alport syndrome 3b, autosomal recessive. Last evaluated: 2026-01-06. Review status: criteria provided, single submitter. Criteria: ACMG Guidelines, 2015. Collection method: clinical testing. Allele origin: germline. Affected: yes.
Comment: The variant is observed at an extremely low frequency in the gnomAD v4.1.0 dataset (total allele frequency: 0.001%). Predicted Consequence/Location: Missense variant The variant has been reported as of uncertain significance (ClinVar ID: VCV002631137). Therefore, this variant is classified as VUS according to the recommendation of ACMG/AMP guideline.

PreventionGenetics, part of Exact Sciences
Classification: Uncertain significance for COL4A3-related condition. Last evaluated: 2023-08-30. Review status: criteria provided, single submitter. Criteria: ACMG Guidelines, 2015. Collection method: clinical testing. Allele origin: germline.
Comment: The COL4A3 c.2184G>T variant is predicted to result in the amino acid substitution p.Glu728Asp. To our knowledge, this variant has not been reported in the literature. This variant is reported in 0.028% of alleles in individuals of East Asian descent in gnomAD. At this time, the clinical significance of this variant is uncertain due to the absence of conclusive functional and genetic evidence.

NM_000091.5(COL4A3):c.2184G>T (p.Glu728Asp)

Genes: COL4A3 (collagen type IV alpha 3 chain; plus strand), MFF-DT (MFF divergent transcript; minus strand). Cytogenetic location: 2q36.3.
Variant type: single nucleotide variant.
Coding change: c.2184G>T on transcript NM_000091.5 (MANE Select); coding-DNA position 2184, G replaced by T.
Protein change: p.Glu728Asp; replaces glutamic acid 728 with aspartic acid.
Molecular consequence: missense variant.
Genome position (GRCh38, 1-based): chr2:227,279,851, G>T. VCF-style: chr2-227279851-G-T. GRCh37 (hg19) VCF-style: chr2-228144567-G-T.
Other names: short protein forms E728D.
Identifiers: ClinVar variation 2631137 (VCV002631137.2), dbSNP rs779837475, ClinGen allele CA2146882.